The following is an entry in ClinVar:

NM_007314.4(ABL2):c.1991C>T (p.Thr664Ile)

Gene: ABL2 (ABL proto-oncogene 2, non-receptor tyrosine kinase; minus strand). Cytogenetic location: 1q25.2.
Variant type: single nucleotide variant.
Coding change: c.1991C>T on transcript NM_007314.4 (MANE Select); coding-DNA position 1991, C replaced by T.
Protein change: p.Thr664Ile; replaces threonine 664 with isoleucine.
Molecular consequence: missense variant.
Genome position (GRCh38, 1-based): chr1:179,109,276, G>A on the plus strand (C>T on the coding strand, the complement: ABL2 is on the minus strand). VCF-style: chr1-179109276-G-A. GRCh37 (hg19) VCF-style: chr1-179078411-G-A.
Other names: c.1946C>T, p.Thr649Ile (NM_001136000.3, NM_005158.5); c.1928C>T, p.Thr643Ile (NM_001168236.2, NM_001168238.2); c.1991C>T, p.Thr664Ile (NM_001168237.2); c.1883C>T, p.Thr628Ile (NM_001168239.2); short protein forms T628I, T643I, T649I, T664I.
Identifiers: ClinVar variation 3346019 (VCV003346019.1).
Genomic context (GRCh38, chr1:179,109,276, plus strand): 5'-TCGTATTTCTTATGGGGCTGATTCTCCATTTCTCGGAAGGAGCTGCTGCGTTTGGGGGGT[G>A]TAGGAGCATTTCTCTTCTTCATGAAGGAGCTGAAGAAGCCCCCCTTCCTATCCCTGGTGA-3'
Protein context (NP_009298.1, residues 654-674): SSFMKKRNAP[Thr664Ile]PPKRSSSFRE

ClinVar aggregate classification (germline): Uncertain significance (0 of 4 stars; one submission).

Conditions:
ABL2-related condition.

gnomAD v4.1: 1 of 1,614,124 alleles (0.000062%); no homozygotes.

Submission:

PreventionGenetics, part of Exact Sciences
Classification: Uncertain significance for ABL2-related condition. Last evaluated: 2024-08-29. Review status: no assertion criteria provided. Collection method: clinical testing. Allele origin: germline.
Comment: The ABL2 c.1991C>T variant is predicted to result in the amino acid substitution p.Thr664Ile. To our knowledge, this variant has not been reported in the literature or in a large population database, indicating this variant is rare. At this time, the clinical significance of this variant is uncertain due to the absence of conclusive functional and genetic evidence.